The following is an entry in ClinVar:

NM_024675.4(PALB2):c.2821A>G (p.Ile941Val)

Gene: PALB2 (partner and localizer of BRCA2; minus strand). Cytogenetic location: 16p12.2.
Variant type: single nucleotide variant.
Coding change: c.2821A>G on transcript NM_024675.4 (MANE Select); coding-DNA position 2821, A replaced by G.
Protein change: p.Ile941Val; replaces isoleucine 941 with valine.
Molecular consequence: missense variant.
Genome position (GRCh38, 1-based): chr16:23,624,022, T>C on the plus strand (A>G on the coding strand, the complement: PALB2 is on the minus strand). VCF-style: chr16-23624022-T-C. GRCh37 (hg19) VCF-style: chr16-23635343-T-C.
Other names: short protein forms I941V.
Identifiers: ClinVar variation 460961 (VCV000460961.53), dbSNP rs778602038, ClinGen allele CA7963481.

ClinVar aggregate classification (germline): Conflicting classifications of pathogenicity. Review status: criteria provided, conflicting classifications (1 of 4 stars). 9 submissions from 9 submitters: Uncertain significance (6); Likely benign (2). 1 of the submissions does not count toward it. Last evaluated 2025-12-01.

Conditions:
Familial cancer of breast. Also called: hereditary breast carcinoma; Hereditary breast cancer; BREAST CANCER, FAMILIAL. Identifiers: Orphanet 227535, MedGen C0346153, MONDO:0016419, OMIM 114480. Disease mechanism: loss of function.
Breast-ovarian cancer, familial, susceptibility to, 5 (BROVCA5). Identifiers: MedGen C5830615, MONDO:0957530, OMIM 620442.
Fanconi anemia complementation group N. Also called: PALB2-Related Fanconi Anemia. Identifiers: Orphanet 84, MedGen C1835817, MONDO:0012565, OMIM 610832. Disease mechanism: loss of function.
Pancreatic cancer, susceptibility to, 3. Identifiers: Orphanet 1333, MedGen C3150547, MONDO:0013236, OMIM 613348.
Hereditary cancer-predisposing syndrome. Also called: Hereditary neoplastic syndrome; Neoplastic Syndromes, Hereditary; Hereditary Cancer Syndrome; Tumor predisposition. Identifiers: Orphanet 140162, MedGen C0027672, MeSH D009386, MONDO:0015356.

Allele frequency attached by ClinVar (database versions not stated): TOPMed below 0.00001; gnomAD 0.00001; gnomAD exomes 0.00001 and 0.00002; ExAC 0.00003.
gnomAD v4.1: 9 of 1,591,624 alleles (0.00057%); highest among the groups gnomAD compares: Admixed American, 0.0083%; no homozygotes.

Submissions (9):

Labcorp Genetics (formerly Invitae), Labcorp
Classification: Uncertain significance for Familial cancer of breast. Last evaluated: 2025-12-01. Review status: criteria provided, single submitter. Criteria: Invitae Variant Classification Sherloc (09022015). Collection method: clinical testing. Allele origin: germline.
Comment: This sequence change replaces isoleucine, which is neutral and non-polar, with valine, which is neutral and non-polar, at codon 941 of the PALB2 protein (p.Ile941Val). This variant is present in population databases (rs778602038, gnomAD 0.01%). This missense change has been observed in individual(s) with breast and/or ovarian cancer (PMID: 28828701, 33558524). ClinVar contains an entry for this variant (Variation ID: 460961). Invitae Evidence Modeling of protein sequence and biophysical properties (such as structural, functional, and spatial information, amino acid conservation, physicochemical variation, residue mobility, and thermodynamic stability) indicates that this missense variant is expected to disrupt PALB2 protein function with a positive predictive value of 80%. In summary, the available evidence is currently insufficient to determine the role of this variant in disease. Therefore, it has been classified as a Variant of Uncertain Significance.

Ambry Genetics
Classification: Uncertain significance for Hereditary cancer-predisposing syndrome. Last evaluated: 2025-08-06. Review status: criteria provided, single submitter. Criteria: Ambry Variant Classification Scheme 2023. Collection method: clinical testing. Allele origin: germline.
Comment: The p.I941V variant (also known as c.2821A>G), located in coding exon 8 of the PALB2 gene, results from an A to G substitution at nucleotide position 2821. The isoleucine at codon 941 is replaced by valine, an amino acid with highly similar properties. This alteration has been identified in different cancer cohorts and in controls (Mandelker D. et al. JAMA. 2017;318(9):825-835; Hauke J. et al. Cancer Med. 2018;7(4):1349-1358; Weitzel JN et al. Cancer, 2019 Aug;125:2829-2836; Moradian MM et al. Hum Genome Var, 2021 Feb;8:9). This alteration was also identified in 1/68 non-Jewish Israeli individuals determined to be at high-risk for breast/ovarian cancer (Zidan J et al. Breast Cancer Res Treat, 2017 Dec;166:881-885).This amino acid position is highly conserved in available vertebrate species. In addition, this alteration is predicted to be tolerated by in silico analysis. Since supporting evidence is limited at this time, the clinical significance of this alteration remains unclear.

Myriad Genetics, Inc.
Classification: Likely benign for Familial cancer of breast. Last evaluated: 2025-01-17. Review status: criteria provided, single submitter. Criteria: Myriad Autosomal Dominant, Autosomal Recessive and X-Linked Classification Criteria (2023). Collection method: clinical testing. Allele origin: unknown.
Comment: This variant is considered likely benign. This variant is strongly associated with less severe personal and family histories of cancer, typical for individuals without pathogenic variants in this gene [PMID: 25085752].

Fulgent Genetics
Classification: Uncertain significance for Fanconi anemia complementation group N; Pancreatic cancer, susceptibility to, 3; Breast-ovarian cancer, familial, susceptibility to, 5. Last evaluated: 2024-04-25. Review status: criteria provided, single submitter. Criteria: ACMG Guidelines, 2015. Collection method: clinical testing. Allele origin: germline.

CeGaT Center for Human Genetics Tuebingen
Classification: Likely benign. Last evaluated: 2023-12-01. Review status: criteria provided, single submitter. Criteria: CeGaT Center For Human Genetics Tuebingen Variant Classification Criteria Version 2. Collection method: clinical testing. Allele origin: germline. Affected: yes. Observed: 1 variant allele.
Comment: PALB2: BP4

GeneDx
Classification: Uncertain significance. Last evaluated: 2022-10-27. Review status: criteria provided, single submitter. Criteria: GeneDx Variant Classification Process June 2021. Collection method: clinical testing. Allele origin: germline. Affected: yes.
Comment: Not observed at significant frequency in large population cohorts (gnomAD); In silico analysis supports that this missense variant does not alter protein structure/function; Observed in individuals with breast, ovarian, or colon cancer (Zidan et al., 2017; Moradian et al., 2021); This variant is associated with the following publications: (PMID: 28828701, 33558524, 28873162, 19609323, 20871615, 24485656)

Color Diagnostics, LLC DBA Color Health
Classification: Uncertain significance for Hereditary cancer-predisposing syndrome. Last evaluated: 2022-03-28. Review status: criteria provided, single submitter. Criteria: ACMG Guidelines, 2015. Collection method: clinical testing. Allele origin: germline.
Comment: This missense variant replaces isoleucine with valine at codon 941 of the PALB2 protein. Computational prediction suggests that this variant may not impact protein structure and function (internally defined REVEL score threshold <= 0.5, PMID: 27666373). To our knowledge, functional studies have not been reported for this variant. This variant has been observed in an individual affected with bilateral breast cancer with positive family history of breast cancer (PMID: 33558524), as well as in two individuals affected with breast cancer in a case-control study (PMID: 33471991). This variant has been identified in 5/250838 chromosomes in the general population by the Genome Aggregation Database (gnomAD). The available evidence is insufficient to determine the role of this variant in disease conclusively. Therefore, this variant is classified as a Variant of Uncertain Significance.

Quest Diagnostics Nichols Institute San Juan Capistrano
Classification: Uncertain significance. Last evaluated: 2021-05-03. Review status: criteria provided, single submitter. Criteria: Quest Diagnostics criteria. Collection method: clinical testing. Allele origin: unknown.

Center of Medical Genetics and Primary Health Care
Classification: Uncertain significance for Hereditary breast cancer. Last evaluated: 2020-04-08. Review status: no assertion criteria provided. Collection method: research. Allele origin: germline. Affected: yes. Observed: 1 heterozygote. Not counted in ClinVar's aggregate classification.
Comment: ACMG Guidelines 2015 criteria PM1 Pathogenic Moderate: WD40 repeat-like (V872-1185 aa) domain, which serves as platform for the assembly of protein complexes (e.g., BRCA1 / RAD51) or mediators of transient interplay among other proteins. Hot spot has 283 non-VUS coding variants (146 pathogenic and 137 benign), pathogenicity = 51.6% > threshold 17.2%. PM2 Pathogenic Moderate: GnomAD exomes allele frequency = 0.0000199 < 0.0001 threshold for recessive gene PALB2. Variant not found in GnomAD genomes. PP3 Pathogenic Supporting: 8 pathogenic predictions from DANN, EIGEN, FATHMM-MKL, MutationAssessor, MutationTaster, SIFT, PolyPhen-2, Align-GVGD vs 5 benign predictions from DEOGEN2, M-CAP, MVP, PrimateAI and REVEL. In summary, the available evidence is currently insufficient to determine the role of this variant in disease. Therefore, it has been classified as a Variant of Uncertain Significance.

Literature cited by the submitters: PubMed 28828701 (cited by 3 submitters); PubMed 33558524 (cited by 4 submitters); PubMed 31206626 (cited by Ambry Genetics); PubMed 25085752 (cited by Myriad Genetics, Inc.); PubMed 33471991 (cited by Color Diagnostics, LLC DBA Color Health); PubMed 28873162 (cited by Quest Diagnostics Nichols Institute San Juan Capistrano).